The following is an entry in ClinVar:

ClinVar aggregate classification (germline): Uncertain significance (1 of 4 stars; one submission).

Conditions:
Tuberous sclerosis 2 (TSC2). Identifiers: Orphanet 805, MedGen C1860707, MONDO:0013199, OMIM 613254.

Submission:

Labcorp Genetics (formerly Invitae), Labcorp
Classification: Uncertain significance for Tuberous sclerosis 2. Last evaluated: 2023-03-07. Review status: criteria provided, single submitter. Criteria: Invitae Variant Classification Sherloc (09022015). Collection method: clinical testing. Allele origin: germline.
Comment: This sequence change replaces serine, which is neutral and polar, with proline, which is neutral and non-polar, at codon 421 of the TSC2 protein (p.Ser421Pro). This variant is not present in population databases (gnomAD no frequency). This variant has not been reported in the literature in individuals affected with TSC2-related conditions. Advanced modeling of protein sequence and biophysical properties (such as structural, functional, and spatial information, amino acid conservation, physicochemical variation, residue mobility, and thermodynamic stability) performed at Invitae indicates that this missense variant is not expected to disrupt TSC2 protein function. In summary, the available evidence is currently insufficient to determine the role of this variant in disease. Therefore, it has been classified as a Variant of Uncertain Significance.

NM_000548.5(TSC2):c.1261T>C (p.Ser421Pro)

Gene: TSC2 (TSC complex subunit 2; plus strand). Cytogenetic location: 16p13.3.
Variant type: single nucleotide variant.
Coding change: c.1261T>C on transcript NM_000548.5 (MANE Select); coding-DNA position 1261, T replaced by C.
Protein change: p.Ser421Pro; replaces serine 421 with proline.
Molecular consequence: missense variant. On other transcripts: 5 prime UTR variant (8), non-coding transcript variant (5), intron variant (2).
Genome position (GRCh38, 1-based): chr16:2,062,500, T>C. VCF-style: chr16-2062500-T-C. GRCh37 (hg19) VCF-style: chr16-2112501-T-C.
Other names: c.799T>C, p.Ser267Pro (NM_001406681.1); c.661T>C, p.Ser221Pro (NM_001406682.1, NM_001406683.1, NM_001406684.1 and 6 more transcripts); c.-84T>C (NM_001406689.1, NM_001406690.1, NM_001406691.1 and 4 more transcripts); c.-260T>C (NM_001406698.1); c.1261T>C, p.Ser421Pro (NM_021055.3, NM_001077183.3, NM_001114382.3 and 6 more transcripts); c.-55-29T>C (NM_001406694.1, NM_001406695.1); c.1351T>C, p.Ser451Pro (NM_001406668.1, NM_001406667.1); c.1150T>C, p.Ser384Pro (NM_001406670.1, NM_001406678.1, NM_001318827.2); and 4 more; short protein forms S221P, S432P, S267P, S384P, S421P, S372P, S402P, S417P.
Identifiers: ClinVar variation 2843417 (VCV002843417.3), dbSNP rs2086765786, ClinGen allele CA394321802.